The following is an entry in ClinVar:

NM_001018115.3(FANCD2):c.3292C>A (p.Leu1098Met)

Genes: FANCD2 (FA complementation group D2; plus strand), FANCD2OS (FANCD2 opposite strand; minus strand). Cytogenetic location: 3p25.3.
Variant type: single nucleotide variant.
Coding change: c.3292C>A on transcript NM_001018115.3 (MANE Select); coding-DNA position 3292, C replaced by A.
Protein change: p.Leu1098Met; replaces leucine 1098 with methionine.
Molecular consequence: missense variant. On other transcripts: intron variant (1).
Genome position (GRCh38, 1-based): chr3:10,085,879, C>A. VCF-style: chr3-10085879-C-A. GRCh37 (hg19) VCF-style: chr3-10127563-C-A.
Other names: c.3181C>A, p.Leu1061Met (NM_001374253.1); c.3292C>A, p.Leu1098Met (NM_001374254.1, NM_033084.6, NM_001319984.2); c.*44-4348G>T (NM_173472.2); short protein forms L1061M, L1098M.
Identifiers: ClinVar variation 2078260 (VCV002078260.5), dbSNP rs1431938056, ClinGen allele CA351751348.
Genomic context (GRCh38, chr3:10,085,879, plus strand): 5'-TTTTCTCAACCTGAAAATCAGAATTTACTGTATTCAGCCCTCCATGTCCTTAGTAGCCGA[C>A]TGAAACAGGGAGAACACAGCCAGCCTTTGGAGGAACTACTCAGGTGAGTCATAACTACAT-3'
Protein context (NP_001018125.1, residues 1088-1108): YSALHVLSSR[Leu1098Met]KQGEHSQPLE

ClinVar aggregate classification (germline): Uncertain significance. Review status: criteria provided, multiple submitters, no conflicts (2 of 4 stars). 2 submissions from 2 submitters: Uncertain significance (2). Last evaluated 2024-02-08.

Conditions:
Fanconi anemia complementation group D2. Also called: FANCD2-Related Fanconi Anemia; FANCONI PANCYTOPENIA, TYPE 4; FANCONI ANEMIA, COMPLEMENTATION GROUP D. Identifiers: Orphanet 84, MedGen C3160738, MONDO:0009214, OMIM 227646.
Fanconi anemia (FA). Also called: Fanconi's anemia. Identifiers: Orphanet 84, MedGen C0015625, MeSH D005199, MONDO:0019391.

Submissions (2):

Fulgent Genetics
Classification: Uncertain significance for Fanconi anemia complementation group D2. Last evaluated: 2024-02-08. Review status: criteria provided, single submitter. Criteria: ACMG Guidelines, 2015. Collection method: clinical testing. Allele origin: germline.

Labcorp Genetics (formerly Invitae), Labcorp
Classification: Uncertain significance for Fanconi anemia. Last evaluated: 2022-08-22. Review status: criteria provided, single submitter. Criteria: Invitae Variant Classification Sherloc (09022015). Collection method: clinical testing. Allele origin: germline.
Comment: This sequence change replaces leucine, which is neutral and non-polar, with methionine, which is neutral and non-polar, at codon 1098 of the FANCD2 protein (p.Leu1098Met). In summary, the available evidence is currently insufficient to determine the role of this variant in disease. Therefore, it has been classified as a Variant of Uncertain Significance. Algorithms developed to predict the effect of missense changes on protein structure and function are either unavailable or do not agree on the potential impact of this missense change (SIFT: "Tolerated"; PolyPhen-2: "Possibly Damaging"; Align-GVGD: "Class C0"). This variant has not been reported in the literature in individuals affected with FANCD2-related conditions. This variant is not present in population databases (gnomAD no frequency).